The following is an entry in ClinVar:

NM_001371904.1(APOA5):c.104G>A (p.Ser35Asn)

Genes: APOA5 (apolipoprotein A5; minus strand), LOC108491825 (enhancer-blocking element 11-1-2 overlapping APOA5; plus strand). Cytogenetic location: 11q23.3.
Variant type: single nucleotide variant.
Coding change: c.104G>A on transcript NM_001371904.1 (MANE Select); coding-DNA position 104, G replaced by A.
Protein change: p.Ser35Asn; replaces serine 35 with asparagine.
Molecular consequence: missense variant.
Genome position (GRCh38, 1-based): chr11:116,791,643, C>T on the plus strand (G>A on the coding strand, the complement: APOA5 is on the minus strand). VCF-style: chr11-116791643-C-T. GRCh37 (hg19) VCF-style: chr11-116662359-C-T.
Other names: c.104G>A, p.Ser35Asn (NM_001166598.2, NM_052968.5); short protein forms S35N.
Identifiers: ClinVar variation 3706385 (VCV003706385.2).

ClinVar aggregate classification (germline): Uncertain significance (1 of 4 stars; one submission).

Submission:

Labcorp Genetics (formerly Invitae), Labcorp
Classification: Uncertain significance. Last evaluated: 2024-09-11. Review status: criteria provided, single submitter. Criteria: Invitae Variant Classification Sherloc (09022015). Collection method: clinical testing. Allele origin: germline.
Comment: This sequence change replaces serine, which is neutral and polar, with asparagine, which is neutral and polar, at codon 35 of the APOA5 protein (p.Ser35Asn). This variant is present in population databases (rs184390502, gnomAD 0.06%). This missense change has been observed in individual(s) with APOA5-related conditions (PMID: 30420299, 36325899). An algorithm developed to predict the effect of missense changes on protein structure and function (PolyPhen-2) suggests that this variant is likely to be tolerated. In summary, the available evidence is currently insufficient to determine the role of this variant in disease. Therefore, it has been classified as a Variant of Uncertain Significance.

Literature cited by the submitters: PubMed 30420299; PubMed 36325899.